The following is an entry in ClinVar:

ClinVar aggregate classification (germline): Uncertain significance (1 of 4 stars; one submission).

Conditions:
Charcot-Marie-Tooth disease axonal type 2C (HMSN2C). Also called: CHARCOT-MARIE-TOOTH DISEASE, AXONAL, AUTOSOMAL DOMINANT, TYPE 2C; Charcot-Marie-Tooth Neuropathy Type 2C; Charcot-Marie-Tooth Disease Type 2, TRPV4-Related (CMT2C). Identifiers: Orphanet 99937, MedGen C1853710, MONDO:0011633, OMIM 606071.

Submission:

Labcorp Genetics (formerly Invitae), Labcorp
Classification: Uncertain significance for Charcot-Marie-Tooth disease axonal type 2C. Last evaluated: 2024-10-26. Review status: criteria provided, single submitter. Criteria: Invitae Variant Classification Sherloc (09022015). Collection method: clinical testing. Allele origin: germline.
Comment: This sequence change replaces leucine, which is neutral and non-polar, with proline, which is neutral and non-polar, at codon 752 of the TRPV4 protein (p.Leu752Pro). This variant is not present in population databases (gnomAD no frequency). This variant has not been reported in the literature in individuals affected with TRPV4-related conditions. Invitae Evidence Modeling of protein sequence and biophysical properties (such as structural, functional, and spatial information, amino acid conservation, physicochemical variation, residue mobility, and thermodynamic stability) has been performed for this missense variant. However, the output from this modeling did not meet the statistical confidence thresholds required to predict the impact of this variant on TRPV4 protein function. In summary, the available evidence is currently insufficient to determine the role of this variant in disease. Therefore, it has been classified as a Variant of Uncertain Significance.

NM_021625.5(TRPV4):c.2255T>C (p.Leu752Pro)

Gene: TRPV4 (transient receptor potential cation channel subfamily V member 4; minus strand). Cytogenetic location: 12q24.11.
Variant type: single nucleotide variant.
Coding change: c.2255T>C on transcript NM_021625.5 (MANE Select); coding-DNA position 2255, T replaced by C.
Protein change: p.Leu752Pro; replaces leucine 752 with proline.
Molecular consequence: missense variant.
Genome position (GRCh38, 1-based): chr12:109,786,791, A>G on the plus strand (T>C on the coding strand, the complement: TRPV4 is on the minus strand). VCF-style: chr12-109786791-A-G. GRCh37 (hg19) VCF-style: chr12-110224596-A-G.
Other names: c.2114T>C, p.Leu705Pro (NM_001177428.2); c.2153T>C, p.Leu718Pro (NM_001177431.2); c.1934T>C, p.Leu645Pro (NM_001177433.2); c.2075T>C, p.Leu692Pro (NM_147204.3); short protein forms L692P, L645P, L718P, L752P, L705P.
Identifiers: ClinVar variation 3705113 (VCV003705113.2).